The following is an entry in ClinVar:

ClinVar aggregate classification (germline): Uncertain significance (1 of 4 stars; one submission).

Conditions:
Cohen syndrome (COH1). Also called: Cutis verticis gyrata, retinitis pigmentosa, and sensorineural deafness; PEPPER SYNDROME. Identifiers: Orphanet 193, MedGen C0265223, MONDO:0008999, OMIM 216550.

Submission:

Labcorp Genetics (formerly Invitae), Labcorp
Classification: Uncertain significance for Cohen syndrome. Last evaluated: 2021-01-27. Review status: criteria provided, single submitter. Criteria: Invitae Variant Classification Sherloc (09022015). Collection method: clinical testing. Allele origin: germline.
Comment: This variant is not present in population databases (ExAC no frequency). This sequence change replaces proline with serine at codon 3979 of the VPS13B protein (p.Pro3979Ser). The proline residue is weakly conserved and there is a moderate physicochemical difference between proline and serine. This variant has not been reported in the literature in individuals with VPS13B-related conditions. In summary, the available evidence is currently insufficient to determine the role of this variant in disease. Therefore, it has been classified as a Variant of Uncertain Significance. Algorithms developed to predict the effect of missense changes on protein structure and function output the following: SIFT: "Not Available"; PolyPhen-2: "Possibly Damaging"; Align-GVGD: "Not Available". The serine amino acid residue is found in multiple mammalian species, suggesting that this missense change does not adversely affect protein function. These predictions have not been confirmed by published functional studies and their clinical significance is uncertain.

NM_152564.5(VPS13B):c.11860C>T (p.Pro3954Ser)

Gene: VPS13B (vacuolar protein sorting 13 homolog B; plus strand). Cytogenetic location: 8q22.2.
Variant type: single nucleotide variant.
Coding change: c.11860C>T on transcript NM_152564.5 (MANE Select); coding-DNA position 11860, C replaced by T.
Protein change: p.Pro3954Ser; replaces proline 3954 with serine.
Molecular consequence: missense variant.
Genome position (GRCh38, 1-based): chr8:99,875,532, C>T. VCF-style: chr8-99875532-C-T. GRCh37 (hg19) VCF-style: chr8-100887760-C-T.
Other names: c.11935C>T, p.Pro3979Ser (NM_017890.5); short protein forms P3954S, P3979S.
Identifiers: ClinVar variation 1504746 (VCV001504746.6), dbSNP rs2130990501, ClinGen allele CA371795790.